The following is an entry in ClinVar:

ClinVar aggregate classification (germline): Uncertain significance (1 of 4 stars; one submission).

gnomAD v4.1: 7 of 1,612,972 alleles (0.00043%); highest among the groups gnomAD compares: Admixed American, 0.0033%; no homozygotes.

Submission:

Women's Health and Genetics/Laboratory Corporation of America, LabCorp
Classification: Uncertain significance. Last evaluated: 2025-10-23. Review status: criteria provided, single submitter. Criteria: LabCorp Variant Classification Summary - May 2015. Collection method: clinical testing. Allele origin: germline.
Comment: Variant summary: PSEN1 c.74C>G (p.Thr25Ser) results in a conservative amino acid change in the encoded protein sequence. Algorithms developed to predict the effect of missense changes on protein structure and function are either unavailable or do not agree on the potential impact of this missense change. The variant allele was found at a frequency of 8e-06 in 251004 control chromosomes. The available data on variant occurrences in the general population are insufficient to allow any conclusion about variant significance. To our knowledge, no occurrence of c.74C>G in individuals affected with PSEN1-related conditions and no experimental evidence demonstrating its impact on protein function have been reported. No submitters have cited clinical-significance assessments for this variant to ClinVar. Based on the evidence outlined above, the variant was classified as uncertain significance.

NM_000021.4(PSEN1):c.74C>G (p.Thr25Ser)

Gene: PSEN1 (presenilin 1; plus strand). Cytogenetic location: 14q24.2.
Variant type: single nucleotide variant.
Coding change: c.74C>G on transcript NM_000021.4 (MANE Select); coding-DNA position 74, C replaced by G.
Protein change: p.Thr25Ser; replaces threonine 25 with serine.
Molecular consequence: missense variant.
Genome position (GRCh38, 1-based): chr14:73,148,093, C>G. VCF-style: chr14-73148093-C-G. GRCh37 (hg19) VCF-style: chr14-73614801-C-G.
Other names: c.74C>G, p.Thr25Ser (NM_007318.3); short protein forms T25S.
Identifiers: ClinVar variation 4687811 (VCV004687811.1).